The following is an entry in ClinVar:

NM_024422.6(DSC2):c.2610T>C (p.Gly870=)

Gene: DSC2 (desmocollin 2; minus strand). Cytogenetic location: 18q12.1.
Variant type: single nucleotide variant.
Coding change: c.2610T>C on transcript NM_024422.6 (MANE Select); coding-DNA position 2610, T replaced by C.
Protein change: p.Gly870=; no amino-acid change (glycine 870 retained).
Molecular consequence: synonymous variant. On other transcripts: 3 prime UTR variant (1).
Genome position (GRCh38, 1-based): chr18:31,068,111, A>G on the plus strand (T>C on the coding strand, the complement: DSC2 is on the minus strand). VCF-style: chr18-31068111-A-G. GRCh37 (hg19) VCF-style: chr18-28648077-A-G.
Other names: c.*112T>C (NM_004949.5).
Identifiers: ClinVar variation 923184 (VCV000923184.12), dbSNP rs761875347, ClinGen allele CA030036.

ClinVar aggregate classification (germline): Likely benign. Review status: criteria provided, multiple submitters, no conflicts (2 of 4 stars). 4 submissions from 4 submitters: Likely benign (4). Last evaluated 2023-08-15.

Conditions:
Cardiomyopathy (CMYO). Also called: Cardiomyopathies. Identifiers: Orphanet 167848, MedGen C0878544, MONDO:0004994, HP:0001638. Inheritance: Various modes of inheritance.
Familial isolated arrhythmogenic right ventricular dysplasia. Identifiers: Orphanet 217656, MedGen C4274968, MONDO:0016342.
Arrhythmogenic right ventricular dysplasia 11. Also called: ARRHYTHMOGENIC RIGHT VENTRICULAR DYSPLASIA, FAMILIAL, 11; Arrhythmogenic Right Ventricular Dysplasia/Cardiomyopathy11; Arrhythmogenic right ventricular dysplasia 11 with mild palmoplantar keratoderma and woolly hair. Identifiers: MedGen C1864850, MONDO:0012506, OMIM 610476.

Allele frequency attached by ClinVar (database versions not stated): ExAC 0.00001; gnomAD exomes below 0.00001; gnomAD 0.00001.

Submissions (4):

All of Us Research Program, National Institutes of Health
Classification: Likely benign for Familial isolated arrhythmogenic right ventricular dysplasia. Last evaluated: 2023-08-15. Review status: criteria provided, single submitter. Criteria: ACMG Guidelines, 2015. Collection method: clinical testing. Allele origin: germline. Inheritance: Autosomal dominant inheritance. Observed: 1 variant allele, 1 heterozygote.
Comment: This study involves interpretation of variants in research participants for the purpose of population health screening. Participant phenotype was not available at the time of variant classification. Additional details can be found in publication PMID: 35346344, PMCID: PMC8962531

Labcorp Genetics (formerly Invitae), Labcorp
Classification: Likely benign for Arrhythmogenic right ventricular dysplasia 11. Last evaluated: 2022-11-30. Review status: criteria provided, single submitter. Criteria: Invitae Variant Classification Sherloc (09022015). Collection method: clinical testing. Allele origin: germline.

CHEO Genetics Diagnostic Laboratory, Children's Hospital of Eastern Ontario
Classification: Likely benign for Cardiomyopathy. Last evaluated: 2021-06-02. Review status: criteria provided, single submitter. Criteria: ACMG Guidelines, 2015. Collection method: clinical testing. Allele origin: germline.

Color Diagnostics, LLC DBA Color Health
Classification: Likely benign for Cardiomyopathy. Last evaluated: 2019-12-02. Review status: criteria provided, single submitter. Criteria: ACMG Guidelines, 2015. Collection method: clinical testing. Allele origin: germline.